The following is an entry in ClinVar:

NM_001205293.3(CACNA1E):c.4495-3C>T

Gene: CACNA1E (calcium voltage-gated channel subunit alpha1 E; plus strand). Cytogenetic location: 1q25.3.
Variant type: single nucleotide variant.
Coding change: c.4495-3C>T on transcript NM_001205293.3 (MANE Select); 3 bases into the intron before coding-DNA position 4495, C replaced by T.
Molecular consequence: intron variant.
Genome position (GRCh38, 1-based): chr1:181,758,755, C>T. VCF-style: chr1-181758755-C-T. GRCh37 (hg19) VCF-style: chr1-181727891-C-T.
Other names: c.4495-3C>T (NM_000721.4); c.4438-3C>T (NM_001205294.2).
Identifiers: ClinVar variation 2741079 (VCV002741079.3), dbSNP rs190755033, ClinGen allele CA1275866.

ClinVar aggregate classification (germline): Uncertain significance (1 of 4 stars; one submission).

Allele frequency attached by ClinVar (database versions not stated): TOPMed 0.00001; 1000 Genomes Project 0.00020; gnomAD exomes below 0.00001; ExAC 0.00002; 1000 Genomes Project 30x 0.00016; gnomAD 0.00001.
gnomAD v4.1: 6 of 1,484,810 alleles (0.0004%); highest among the groups gnomAD compares: East Asian, 0.014%; no homozygotes.

Submission:

Labcorp Genetics (formerly Invitae), Labcorp
Classification: Uncertain significance. Last evaluated: 2025-11-10. Review status: criteria provided, single submitter. Criteria: Invitae Variant Classification Sherloc (09022015). Collection method: clinical testing. Allele origin: germline.
Comment: This sequence change falls in intron 31 of the CACNA1E gene. It does not directly change the encoded amino acid sequence of the CACNA1E protein. It affects a nucleotide within the consensus splice site. This variant is present in population databases (rs190755033, gnomAD 0.02%). This variant has not been reported in the literature in individuals affected with CACNA1E-related conditions. ClinVar contains an entry for this variant (Variation ID: 2741079). Variants that disrupt the consensus splice site are a relatively common cause of aberrant splicing (PMID: 17576681, 9536098). Algorithms developed to predict the effect of sequence changes on RNA splicing suggest that this variant is not likely to affect RNA splicing. In summary, the available evidence is currently insufficient to determine the role of this variant in disease. Therefore, it has been classified as a Variant of Uncertain Significance.

Literature cited by the submitters: PubMed 17576681; PubMed 9536098.